The following is an entry in ClinVar:

NM_017617.5(NOTCH1):c.3859C>T (p.Arg1287Cys)

Gene: NOTCH1 (notch receptor 1; minus strand). Cytogenetic location: 9q34.3.
Variant type: single nucleotide variant.
Coding change: c.3859C>T on transcript NM_017617.5 (MANE Select); coding-DNA position 3859, C replaced by T.
Protein change: p.Arg1287Cys; replaces arginine 1287 with cysteine.
Molecular consequence: missense variant.
Genome position (GRCh38, 1-based): chr9:136,506,758, G>A on the plus strand (C>T on the coding strand, the complement: NOTCH1 is on the minus strand). VCF-style: chr9-136506758-G-A. GRCh37 (hg19) VCF-style: chr9-139401210-G-A.
Other names: p.Arg1287Cys; short protein forms R1287C.
Identifiers: ClinVar variation 940266 (VCV000940266.13), dbSNP rs751275854, ClinGen allele CA5340786.

ClinVar aggregate classification (germline): Conflicting classifications of pathogenicity. Review status: criteria provided, conflicting classifications (1 of 4 stars). 3 submissions from 3 submitters: Uncertain significance (2); Likely benign (1). Last evaluated 2025-10-06.

Conditions:
Adams-Oliver syndrome 5 (AOS5). Identifiers: Orphanet 974, MedGen C4014970, MONDO:0014459, OMIM 616028.

Allele frequency attached by ClinVar (database versions not stated): ExAC 0.00001; TOPMed 0.00001; gnomAD exomes 0.00002.
gnomAD v4.1: 7 of 1,605,728 alleles (0.00044%); highest among the groups gnomAD compares: Admixed American, 0.0017%; no homozygotes.

Submissions (3):

Labcorp Genetics (formerly Invitae), Labcorp
Classification: Likely benign for Adams-Oliver syndrome 5. Last evaluated: 2025-10-06. Review status: criteria provided, single submitter. Criteria: Invitae Variant Classification Sherloc (09022015). Collection method: clinical testing. Allele origin: germline.

GeneDx
Classification: Uncertain significance. Last evaluated: 2024-11-05. Review status: criteria provided, single submitter. Criteria: GeneDx Variant Classification Process June 2021. Collection method: clinical testing. Allele origin: germline. Affected: yes.
Comment: Has not been previously published as pathogenic or benign to our knowledge; Not observed at significant frequency in large population cohorts (gnomAD); In silico analysis indicates that this missense variant does not alter protein structure/function; This variant is associated with the following publications: (PMID: 29416628, 31184605)

Mayo Clinic Laboratories, Mayo Clinic
Classification: Uncertain significance. Last evaluated: 2024-07-18. Review status: criteria provided, single submitter. Criteria: ACMG Guidelines, 2015. Collection method: clinical testing. Allele origin: germline. Observed: 1 variant allele.